The following is an entry in ClinVar:

NM_000516.7(GNAS):c.213-5A>G

Gene: GNAS (GNAS complex locus; plus strand). Cytogenetic location: 20q13.32.
Variant type: single nucleotide variant.
Coding change: c.213-5A>G on transcript NM_000516.7 (MANE Select); 5 bases into the intron before coding-DNA position 213, A replaced by G.
Molecular consequence: intron variant.
Genome position (GRCh38, 1-based): chr20:58,898,936, A>G. VCF-style: chr20-58898936-A-G. GRCh37 (hg19) VCF-style: chr20-57473991-A-G.
Other names: c.*116-5A>G (NM_016592.5); c.36-5A>G (NM_001309861.2, NM_001309840.2); c.*74-5A>G (NM_001077490.3); c.2142-5A>G (NM_080425.4); c.*232-5A>G (NM_001309883.1); c.213-5A>G (NM_001077488.5, NM_001309842.2, NM_000516.5); c.212+3252A>G (NM_080426.4, NM_001077489.4).
Identifiers: ClinVar variation 288208 (VCV000288208.13), dbSNP rs763548893, ClinGen allele CA9926938.

ClinVar aggregate classification (germline): Conflicting classifications of pathogenicity. Review status: criteria provided, conflicting classifications (1 of 4 stars). 3 submissions from 3 submitters: Uncertain significance (1); Likely benign (2). Last evaluated 2025-08-25.

Conditions:
GNAS-related disorder. Identifiers: MedGen CN380105.

Allele frequency attached by ClinVar (database versions not stated): gnomAD below 0.00001 and 0.00002; gnomAD exomes 0.00004 and 0.00007; TOPMed 0.00004; ExAC 0.00008.
gnomAD v4.1: 57 of 1,612,742 alleles (0.0035%); highest among the groups gnomAD compares: South Asian, 0.053%; 1 homozygote.

Submissions (3):

Labcorp Genetics (formerly Invitae), Labcorp
Classification: Likely benign. Last evaluated: 2025-08-25. Review status: criteria provided, single submitter. Criteria: Invitae Variant Classification Sherloc (09022015). Collection method: clinical testing. Allele origin: germline.

PreventionGenetics, part of Exact Sciences
Classification: Likely benign for GNAS-related condition. Last evaluated: 2024-12-13. Review status: criteria provided, single submitter. Criteria: ACMG Guidelines, 2015. Collection method: clinical testing. Allele origin: germline.
Comment: This variant is classified as likely benign based on ACMG/AMP sequence variant interpretation guidelines (Richards et al. 2015 PMID: 25741868, with internal and published modifications).

Eurofins Ntd Llc (ga)
Classification: Uncertain significance. Last evaluated: 2016-06-28. Review status: criteria provided, single submitter. Criteria: EGL Classification Definitions 2015. Collection method: clinical testing. Allele origin: germline. Observed: 1 variant allele, 1 heterozygote.